The following is an entry in ClinVar:

ClinVar aggregate classification (germline): Likely pathogenic (1 of 4 stars; one submission).

Submission:

Labcorp Genetics (formerly Invitae), Labcorp
Classification: Likely pathogenic. Last evaluated: 2024-02-08. Review status: criteria provided, single submitter. Criteria: Invitae Variant Classification Sherloc (09022015). Collection method: clinical testing. Allele origin: germline.
Comment: This sequence change affects an acceptor splice site in intron 8 of the BMP1 gene. It is expected to disrupt RNA splicing. Variants that disrupt the donor or acceptor splice site typically lead to a loss of protein function (PMID: 16199547), and loss-of-function variants in BMP1 are known to be pathogenic (PMID: 25656619, 27576954, 28257626). This variant is not present in population databases (gnomAD no frequency). This variant has not been reported in the literature in individuals affected with BMP1-related conditions. Algorithms developed to predict the effect of sequence changes on RNA splicing suggest that this variant may disrupt the consensus splice site. In summary, the currently available evidence indicates that the variant is pathogenic, but additional data are needed to prove that conclusively. Therefore, this variant has been classified as Likely Pathogenic.

Literature cited by the submitters: PubMed 16199547; PubMed 25656619; PubMed 27576954; PubMed 28257626.

NM_006129.5(BMP1):c.1078-2A>G

Gene: BMP1 (bone morphogenetic protein 1; plus strand). Cytogenetic location: 8p21.3.
Variant type: single nucleotide variant.
Coding change: c.1078-2A>G on transcript NM_006129.5 (MANE Select); the canonical splice acceptor site of the intron before coding-DNA position 1078, A replaced by G.
Molecular consequence: splice acceptor variant.
Genome position (GRCh38, 1-based): chr8:22,192,047, A>G. VCF-style: chr8-22192047-A-G. GRCh37 (hg19) VCF-style: chr8-22049560-A-G.
Other names: c.1078-2A>G (NM_001199.4).
Identifiers: ClinVar variation 3639705 (VCV003639705.2).
Genomic context (GRCh38, chr8:22,192,047, plus strand): 5'-CTGGCAGAGGGCTGGTGCAATGTTCGGGACAGCTTAACCCTCTTCCTCCCCTGTTGCCCT[A>G]GATCATCCTGAACTTCACGTCCCTGGACCTGTACCGCAGCCGCCTGTGCTGGTACGACTA-3'